The following is an entry in ClinVar:

NM_133510.4(RAD51B):c.224C>G (p.Ser75Cys)

Gene: RAD51B (RAD51 paralog B; plus strand). Cytogenetic location: 14q24.1.
Variant type: single nucleotide variant.
Coding change: c.224C>G on transcript NM_133510.4 (MANE Select); coding-DNA position 224, C replaced by G.
Protein change: p.Ser75Cys; replaces serine 75 with cysteine.
Molecular consequence: missense variant. On other transcripts: 5 prime UTR variant (1).
Genome position (GRCh38, 1-based): chr14:67,835,105, C>G. VCF-style: chr14-67835105-C-G. GRCh37 (hg19) VCF-style: chr14-68301822-C-G.
Other names: c.224C>G, p.Ser75Cys (NM_002877.6, NM_133509.5, NM_001321809.2 and 6 more transcripts); c.110C>G, p.Ser37Cys (NM_001321815.1); c.-232C>G (NM_001321817.2); short protein forms S75C, S37C.
Identifiers: ClinVar variation 4842718 (VCV004842718.1).
Genomic context (GRCh38, chr14:67,835,105, plus strand): 5'-AGGTTGAAAAAAAACTTAATCATTTTCTTGTTTAGGCTTATGGGATAAAAGCACAAAGGT[C>G]TGCTGATTTCTCACCAGCATTCTTATCTACTACCCTTTCTGCTTTGGACGAAGCCCTGCA-3'
Protein context (NP_598194.1, residues 65-85): QTAYGIKAQR[Ser75Cys]ADFSPAFLST

ClinVar aggregate classification (germline): Uncertain significance (1 of 4 stars; one submission).

Submission:

Ambry Genetics
Classification: Uncertain significance. Last evaluated: 2025-12-21. Review status: criteria provided, single submitter. Criteria: Ambry Variant Classification Scheme 2023. Collection method: clinical testing. Allele origin: germline.
Comment: The p.S75C variant (also known as c.224C>G), located in coding exon 3 of the RAD51B gene, results from a C to G substitution at nucleotide position 224. The serine at codon 75 is replaced by cysteine, an amino acid with dissimilar properties. This amino acid position is conserved. In addition, this alteration is predicted to be tolerated by in silico analysis. Based on the available evidence, the clinical significance of this variant remains unclear.